The following is an entry in ClinVar:

NM_206933.4(USH2A):c.11566del (p.Ser3856fs)

Gene: USH2A (usherin; minus strand). Cytogenetic location: 1q41.
Variant type: Deletion.
Coding change: c.11566del on transcript NM_206933.4 (MANE Select); coding-DNA position 11566, one base deleted (A; older notation c.11566delA).
Protein change: p.Ser3856fs; shifts the reading frame from serine 3856.
Molecular consequence: frameshift variant.
Genome position (GRCh38, 1-based): chr1:215,741,520, T deleted on the plus strand (A on the coding strand, the reverse complement: USH2A is on the minus strand). VCF-style (leftmost placement, unchanged base first): chr1-215741519-CT-C. GRCh37 (hg19) VCF-style: chr1-215914861-CT-C.
Other names: c.11566delA (NM_206933.2); short protein forms S3856fs.
Identifiers: ClinVar variation 2202943 (VCV002202943.5), dbSNP rs2465067746, ClinGen allele CA2580062034.

ClinVar aggregate classification (germline): Pathogenic. Review status: criteria provided, single submitter (1 of 4 stars). 2 submissions from 2 submitters: Pathogenic (1). 1 of the submissions does not count toward it. Last evaluated 2025-01-30.

Conditions:
USH2A-related disorder. Also called: USH2A-related condition; USH2A-related disorders. Identifiers: MedGen CN239332.

Submissions (2):

Labcorp Genetics (formerly Invitae), Labcorp
Classification: Pathogenic. Last evaluated: 2025-01-30. Review status: criteria provided, single submitter. Criteria: Invitae Variant Classification Sherloc (09022015). Collection method: clinical testing. Allele origin: germline.
Comment: This sequence change creates a premature translational stop signal (p.Ser3856Valfs*28) in the USH2A gene. It is expected to result in an absent or disrupted protein product. Loss-of-function variants in USH2A are known to be pathogenic (PMID: 10729113, 10909849, 20507924, 25649381). This variant is not present in population databases (gnomAD no frequency). This premature translational stop signal has been observed in individual(s) with Usher syndrome (PMID: 22004887). ClinVar contains an entry for this variant (Variation ID: 2202943). For these reasons, this variant has been classified as Pathogenic.

PreventionGenetics, part of Exact Sciences
Classification: Pathogenic for USH2A-related condition. Last evaluated: 2024-08-27. Review status: no assertion criteria provided. Collection method: clinical testing. Allele origin: germline. Not counted in ClinVar's aggregate classification.
Comment: The USH2A c.11566delA variant is predicted to result in a frameshift and premature protein termination (p.Ser3856Valfs*28). This variant has been reported along with a second USH2A variant in individuals with Usher syndrome (Garcia-Garcia et al. 2011. PubMed ID: 22004887; Table S2, Mansard et al. 2021. PubMed ID: 34948090). This variant is absent in the large population database gnomAD, indicating this variant is rare. Frameshift variants in USH2A are an established mechanism of disease. This variant is interpreted as pathogenic.

Literature cited by the submitters: PubMed 10729113 (cited by Labcorp Genetics (formerly Invitae), Labcorp); PubMed 10909849 (cited by Labcorp Genetics (formerly Invitae), Labcorp); PubMed 20507924 (cited by Labcorp Genetics (formerly Invitae), Labcorp); PubMed 25649381 (cited by Labcorp Genetics (formerly Invitae), Labcorp); PubMed 22004887 (cited by Labcorp Genetics (formerly Invitae), Labcorp).